The following is an entry in ClinVar:

ClinVar aggregate classification (germline): Uncertain significance (1 of 4 stars; one submission).

gnomAD v4.1: 1 of 1,613,794 alleles (0.000062%); highest among the groups gnomAD compares: Non-Finnish European, 0.000085%; no homozygotes.

Submission:

GeneDx
Classification: Uncertain significance. Last evaluated: 2024-06-05. Review status: criteria provided, single submitter. Criteria: GeneDx Variant Classification Process June 2021. Collection method: clinical testing. Allele origin: germline. Affected: yes.
Comment: Not observed at significant frequency in large population cohorts (gnomAD); In silico analysis indicates that this missense variant does not alter protein structure/function; Has not been previously published as pathogenic or benign to our knowledge; This variant is associated with the following publications: (PMID: 25512093, 25609763, 26100331)

NM_001376.5(DYNC1H1):c.10705G>T (p.Ala3569Ser)

Gene: DYNC1H1 (dynein cytoplasmic 1 heavy chain 1; plus strand). Cytogenetic location: 14q32.31.
Variant type: single nucleotide variant.
Coding change: c.10705G>T on transcript NM_001376.5 (MANE Select); coding-DNA position 10705, G replaced by T.
Protein change: p.Ala3569Ser; replaces alanine 3569 with serine.
Molecular consequence: missense variant.
Genome position (GRCh38, 1-based): chr14:102,034,403, G>T. VCF-style: chr14-102034403-G-T. GRCh37 (hg19) VCF-style: chr14-102500740-G-T.
Other names: short protein forms A3569S.
Identifiers: ClinVar variation 3384251 (VCV003384251.1).